The following is an entry in ClinVar:

NM_001940.4(ATN1):c.2943T>A (p.Pro981=)

Gene: ATN1 (atrophin 1; plus strand). Cytogenetic location: 12p13.31.
Variant type: single nucleotide variant.
Coding change: c.2943T>A on transcript NM_001940.4 (MANE Select); coding-DNA position 2943, T replaced by A.
Protein change: p.Pro981=; no amino-acid change (proline 981 retained).
Molecular consequence: synonymous variant.
Genome position (GRCh38, 1-based): chr12:6,938,906, T>A. VCF-style: chr12-6938906-T-A. GRCh37 (hg19) VCF-style: chr12-7048069-T-A.
Other names: c.2943T>A, p.Pro981= (NM_001007026.2, NM_001424176.1, NM_001424177.1 and 1 more transcripts); c.2940T>A, p.Pro980= (NM_001424179.1, NM_001424180.1).
Identifiers: ClinVar variation 4873113 (VCV004873113.2).

ClinVar aggregate classification (germline): Likely benign (1 of 4 stars; one submission).

Submission:

CeGaT Center for Human Genetics Tuebingen
Classification: Likely benign. Last evaluated: 2026-04-01. Review status: criteria provided, single submitter. Criteria: CeGaT Center For Human Genetics Tuebingen Variant Classification Criteria Version 2. Collection method: clinical testing. Allele origin: germline. Affected: yes. Observed: 1 variant allele.
Comment: ATN1: PM2:Supporting, BP4, BP7